The following is an entry in ClinVar:

ClinVar aggregate classification (germline): Uncertain significance (1 of 4 stars; one submission).

Submission:

GeneDx
Classification: Uncertain significance. Last evaluated: 2019-06-24. Review status: criteria provided, single submitter. Criteria: GeneDx Variant Classification Process June 2021. Collection method: clinical testing. Allele origin: germline. Affected: yes.
Comment: Has not been previously published as pathogenic or benign to our knowledge; Not observed at a significant frequency in large population cohorts (Lek et al., 2016); In silico analysis, which includes protein predictors and evolutionary conservation, supports that this variant does not alter protein structure/function; Not located in the triple helical region, where the majority of pathogenic missense variants occur (Stenson et al., 2014)

NM_000089.4(COL1A2):c.3388_3389delinsAT (p.Pro1130Ile)

Gene: COL1A2 (collagen type I alpha 2 chain; plus strand). Cytogenetic location: 7q21.3.
Variant type: Indel.
Coding change: c.3388_3389delinsAT on transcript NM_000089.4 (MANE Select); coding-DNA positions 3388 to 3389, CC replaced by AT.
Protein change: p.Pro1130Ile; replaces proline 1130 with isoleucine.
Molecular consequence: missense variant.
Genome position (GRCh38, 1-based): chr7:94,427,747-94,427,748, CC replaced by AT. VCF-style: chr7-94427747-CC-AT. GRCh37 (hg19) VCF-style: chr7-94057059-CC-AT.
Other names: c.3388_3389delCCinsAT (NM_000089.3); short protein forms P1130I.
Identifiers: ClinVar variation 450774 (VCV000450774.3), dbSNP rs1554398622, ClinGen allele CA658657693.